The following is an entry in ClinVar:

ClinVar aggregate classification (germline): Likely benign (1 of 4 stars; one submission).

Submission:

CeGaT Center for Human Genetics Tuebingen
Classification: Likely benign. Last evaluated: 2022-05-01. Review status: criteria provided, single submitter. Criteria: CeGaT Center For Human Genetics Tuebingen Variant Classification Criteria Version 2. Collection method: clinical testing. Allele origin: germline. Affected: yes. Observed: 1 variant allele.
Comment: SMCR8: PM2:Supporting, BP4, BP7

NM_144775.3(SMCR8):c.321T>C (p.Pro107=)

Gene: SMCR8 (SMCR8-C9orf72 complex subunit; plus strand). Cytogenetic location: 17p11.2.
Variant type: single nucleotide variant.
Coding change: c.321T>C on transcript NM_144775.3 (MANE Select); coding-DNA position 321, T replaced by C.
Protein change: p.Pro107=; no amino-acid change (proline 107 retained).
Molecular consequence: synonymous variant.
Genome position (GRCh38, 1-based): chr17:18,316,110, T>C. VCF-style: chr17-18316110-T-C. GRCh37 (hg19) VCF-style: chr17-18219424-T-C.
Identifiers: ClinVar variation 2647555 (VCV002647555.24), dbSNP rs2545640183, ClinGen allele CA498435367.